The following is an entry in ClinVar:

ClinVar aggregate classification (germline): Uncertain significance. Review status: criteria provided, multiple submitters, no conflicts (2 of 4 stars). 2 submissions from 2 submitters: Uncertain significance (2). Last evaluated 2023-03-30.

Allele frequency attached by ClinVar (database versions not stated): TOPMed below 0.00001; gnomAD exomes 0.00001.
gnomAD v4.1: 4 of 1,613,024 alleles (0.00025%); highest among the groups gnomAD compares: Middle Eastern, 0.049%; no homozygotes.

Submissions (2):

Women's Health and Genetics/Laboratory Corporation of America, LabCorp
Classification: Uncertain significance. Last evaluated: 2023-03-30. Review status: criteria provided, single submitter. Criteria: LabCorp Variant Classification Summary - May 2015. Collection method: clinical testing. Allele origin: germline.
Comment: Variant summary: GLI2 c.3418A>G (p.Asn1140Asp) results in a conservative amino acid change in the encoded protein sequence. Five of five in-silico tools predict a benign effect of the variant on protein function. The variant was absent in 247618 control chromosomes (gnomAD). The available data on variant occurrences in the general population are insufficient to allow any conclusion about variant significance. To our knowledge, no occurrence of c.3418A>G in individuals affected with GLI2-Related Disorders and no experimental evidence demonstrating its impact on protein function have been reported. One ClinVar submitter has assessed the variant since 2014: the variant was classified as uncertain significance. Based on the evidence outlined above, the variant was classified as uncertain significance.

Revvity Omics, Revvity
Classification: Uncertain significance. Last evaluated: 2021-08-20. Review status: criteria provided, single submitter. Criteria: ACMG Guidelines, 2015. Collection method: clinical testing. Allele origin: germline.

NM_001374353.1(GLI2):c.3367A>G (p.Asn1123Asp)

Gene: GLI2 (GLI family zinc finger 2; plus strand). Cytogenetic location: 2q14.2.
Variant type: single nucleotide variant.
Coding change: c.3367A>G on transcript NM_001374353.1 (MANE Select); coding-DNA position 3367, A replaced by G.
Protein change: p.Asn1123Asp; replaces asparagine 1123 with aspartic acid.
Molecular consequence: missense variant.
Genome position (GRCh38, 1-based): chr2:120,989,332, A>G. VCF-style: chr2-120989332-A-G. GRCh37 (hg19) VCF-style: chr2-121746908-A-G.
Other names: c.3418A>G (NM_005270.4); c.3418A>G, p.Asn1140Asp (NM_001371271.1, NM_005270.5); c.2992A>G, p.Asn998Asp (NM_001374354.1); short protein forms N1123D, N1140D, N998D.
Identifiers: ClinVar variation 2432147 (VCV002432147.4), dbSNP rs1683162266, ClinGen allele CA348173968.